The following is an entry in ClinVar:

NM_033641.4(COL4A6):c.1986C>T (p.Tyr662=)

Gene: COL4A6 (collagen type IV alpha 6 chain; minus strand). Cytogenetic location: Xq22.3.
Variant type: single nucleotide variant.
Coding change: c.1986C>T on transcript NM_033641.4 (MANE Select); coding-DNA position 1986, C replaced by T.
Protein change: p.Tyr662=; no amino-acid change (tyrosine 662 retained).
Molecular consequence: synonymous variant.
Genome position (GRCh38, 1-based): chrX:108,180,934, G>A on the plus strand (C>T on the coding strand, the complement: COL4A6 is on the minus strand). VCF-style: chrX-108180934-G-A. GRCh37 (hg19) VCF-style: chrX-107424164-G-A.
Other names: c.2037C>T, p.Tyr679= (NM_001287758.2); c.1986C>T, p.Tyr662= (NM_001287759.2, NM_001287760.2); c.1989C>T, p.Tyr663= (NM_001847.4); c.1989C>T (NM_001847.3).
Identifiers: ClinVar variation 2694847 (VCV002694847.5), dbSNP rs368415554, ClinGen allele CA10487719.

ClinVar aggregate classification (germline): Likely benign. Review status: criteria provided, single submitter (1 of 4 stars). 2 submissions from 2 submitters: Likely benign (1). 1 of the submissions does not count toward it. Last evaluated 2026-01-27.

Conditions:
COL4A6-related disorder. Also called: COL4A6-related condition.

Allele frequency attached by ClinVar (database versions not stated): gnomAD exomes 0.00006; ESP Exome Variant Server 0.00009; gnomAD 0.00011; ExAC 0.00006; TOPMed 0.00008.
gnomAD v4.1: 82 of 1,208,904 alleles (0.0068%); highest among the groups gnomAD compares: African/African-American, 0.01%; no homozygotes.

Submissions (2):

Labcorp Genetics (formerly Invitae), Labcorp
Classification: Likely benign. Last evaluated: 2026-01-27. Review status: criteria provided, single submitter. Criteria: Invitae Variant Classification Sherloc (09022015). Collection method: clinical testing. Allele origin: germline.

PreventionGenetics, part of Exact Sciences
Classification: Likely benign for COL4A6-related condition. Last evaluated: 2019-06-28. Review status: no assertion criteria provided. Collection method: clinical testing. Allele origin: germline. Not counted in ClinVar's aggregate classification.
Comment: This variant is classified as likely benign based on ACMG/AMP sequence variant interpretation guidelines (Richards et al. 2015 PMID: 25741868, with internal and published modifications).